The following is an entry in ClinVar:

NM_001261826.3(AP3D1):c.3402C>G (p.Ile1134Met)

Gene: AP3D1 (adaptor related protein complex 3 subunit delta 1; minus strand). Cytogenetic location: 19p13.3.
Variant type: single nucleotide variant.
Coding change: c.3402C>G on transcript NM_001261826.3 (MANE Select); coding-DNA position 3402, C replaced by G.
Protein change: p.Ile1134Met; replaces isoleucine 1134 with methionine.
Molecular consequence: missense variant.
Genome position (GRCh38, 1-based): chr19:2,109,156, G>C on the plus strand (C>G on the coding strand, the complement: AP3D1 is on the minus strand). VCF-style: chr19-2109156-G-C. GRCh37 (hg19) VCF-style: chr19-2109155-G-C.
Other names: c.3366C>G, p.Ile1122Met (NM_001374799.1); c.3216C>G, p.Ile1072Met (NM_003938.8); short protein forms I1122M, I1072M, I1134M.
Identifiers: ClinVar variation 2775958 (VCV002775958.3), dbSNP rs981391708, ClinGen allele CA304146728.
Genomic context (GRCh38, chr19:2,109,156, plus strand): 5'-GTGGTGAAAACAGATCTTCGCCAGAAGATTCTGGAAGGACATCCGAATGCCATCGACTTT[G>C]ATTGAGCTCATGCTCAAGTCCCCAGACTCCAGCAACTTAGCAAAGGCGTCACTGTGGGAG-3'
Protein context (NP_001248755.1, residues 1124-1144): LESGDLSMSS[Ile1134Met]KVDGIRMSFQ

ClinVar aggregate classification (germline): Uncertain significance (1 of 4 stars; one submission).

Allele frequency attached by ClinVar (database versions not stated): gnomAD exomes below 0.00001.
gnomAD v4.1: 6 of 1,610,346 alleles (0.00037%); highest among the groups gnomAD compares: Middle Eastern, 0.017%; no homozygotes.

Submission:

Labcorp Genetics (formerly Invitae), Labcorp
Classification: Uncertain significance. Last evaluated: 2023-05-31. Review status: criteria provided, single submitter. Criteria: Invitae Variant Classification Sherloc (09022015). Collection method: clinical testing. Allele origin: germline.
Comment: In summary, the available evidence is currently insufficient to determine the role of this variant in disease. Therefore, it has been classified as a Variant of Uncertain Significance. An algorithm developed to predict the effect of missense changes on protein structure and function (PolyPhen-2) suggests that this variant is likely to be tolerated. This variant has not been reported in the literature in individuals affected with AP3D1-related conditions. This variant is present in population databases (no rsID available, gnomAD no frequency). This sequence change replaces isoleucine, which is neutral and non-polar, with methionine, which is neutral and non-polar, at codon 1134 of the AP3D1 protein (p.Ile1134Met).